The following is an entry in ClinVar:

NC_000001.10:g.(243507634_243542022)_(243542166_243579003)del

Gene: SDCCAG8 (SHH signaling and ciliogenesis regulator SDCCAG8; plus strand). Cytogenetic location: 1q43.
Variant type: Deletion.
Identifiers: ClinVar variation 1804781 (VCV001804781.1).

ClinVar aggregate classification (germline): Likely pathogenic (1 of 4 stars; one submission).

Conditions:
Bardet-Biedl syndrome (BBS). Identifiers: Orphanet 110, MedGen C0752166, MONDO:0015229.

Submission:

Women's Health and Genetics/Laboratory Corporation of America, LabCorp
Classification: Likely pathogenic for Bardet-Biedl syndrome. Last evaluated: 2022-11-14. Review status: criteria provided, single submitter. Criteria: LabCorp Variant Classification Summary - May 2015. Collection method: clinical testing. Allele origin: germline.
Comment: Variant summary: The variant identified by MLPA or other technology involves the deletion of exon 13 in the SDCCAG8 gene. A presumed nomenclature of c.(1473+1_1474-1)_(1616+1_1617-1)del has been designated for the purposes of this classification. Although exact breakpoints of this deletion are not known, it is expected to result in a frame shift in the SDCCAG8 gene, a known mechanism of disease. The variant was absent in 21694 control chromosomes in the gnomAD database (Structural Variants dataset). To our knowledge, no occurrence of c.(1473+1_1474-1)_(1616+1_1617-1)del in individuals affected with Bardet-Biedl Syndrome and no experimental evidence demonstrating its impact on protein function have been reported. No clinical diagnostic laboratories have submitted clinical-significance assessments for this variant to ClinVar after 2014. Based on the evidence outlined above, the variant was classified as likely pathogenic.